The following is an entry in ClinVar:

ClinVar aggregate classification (germline): Uncertain significance. Review status: criteria provided, multiple submitters, no conflicts (2 of 4 stars). 4 submissions from 4 submitters: Uncertain significance (4). Last evaluated 2024-03-04.

Conditions:
3-methylcrotonyl-CoA carboxylase 1 deficiency (MCC1D). Also called: MCCD TYPE 1; METHYLCROTONYLGLYCINURIA TYPE I; MCC 1 deficiency; 3 Alpha methylcrotonylglycinuria 1. Identifiers: Orphanet 6, MedGen CN028786, MONDO:0008861, OMIM 210200.
Inborn genetic diseases. Identifiers: MedGen C0950123, MeSH D030342.

Allele frequency attached by ClinVar (database versions not stated): gnomAD 0.00001 and 0.00002; gnomAD exomes 0.00001 and 0.00002; TOPMed 0.00001; ExAC 0.00002.
gnomAD v4.1: 16 of 1,614,224 alleles (0.00099%); highest among the groups gnomAD compares: South Asian, 0.013%; no homozygotes.

Submissions (4):

GeneDx
Classification: Uncertain significance. Last evaluated: 2024-03-04. Review status: criteria provided, single submitter. Criteria: GeneDx Variant Classification Process June 2021. Collection method: clinical testing. Allele origin: germline. Affected: yes.
Comment: In silico analysis supports that this missense variant has a deleterious effect on protein structure/function; Has not been previously published as pathogenic or benign to our knowledge

Labcorp Genetics (formerly Invitae), Labcorp
Classification: Uncertain significance for 3-methylcrotonyl-CoA carboxylase 1 deficiency. Last evaluated: 2022-10-13. Review status: criteria provided, single submitter. Criteria: Invitae Variant Classification Sherloc (09022015). Collection method: clinical testing. Allele origin: germline.
Comment: This sequence change replaces serine, which is neutral and polar, with asparagine, which is neutral and polar, at codon 80 of the MCCC1 protein (p.Ser80Asn). This variant is present in population databases (rs774565207, gnomAD 0.02%). This variant has not been reported in the literature in individuals affected with MCCC1-related conditions. ClinVar contains an entry for this variant (Variation ID: 522735). Advanced modeling of protein sequence and biophysical properties (such as structural, functional, and spatial information, amino acid conservation, physicochemical variation, residue mobility, and thermodynamic stability) performed at Invitae indicates that this missense variant is expected to disrupt MCCC1 protein function. In summary, the available evidence is currently insufficient to determine the role of this variant in disease. Therefore, it has been classified as a Variant of Uncertain Significance.

Ambry Genetics
Classification: Uncertain significance for Inborn genetic diseases. Last evaluated: 2022-09-14. Review status: criteria provided, single submitter. Criteria: Ambry Variant Classification Scheme 2023. Collection method: clinical testing. Allele origin: germline.

Genomic Research Center, Shahid Beheshti University of Medical Sciences
Classification: Uncertain significance for 3-methylcrotonyl-CoA carboxylase 1 deficiency. Last evaluated: 2017-12-03. Review status: criteria provided, single submitter. Criteria: ACMG Guidelines, 2015. Collection method: clinical testing. Allele origin: inherited.

NM_020166.5(MCCC1):c.239G>A (p.Ser80Asn)

Gene: MCCC1 (methylcrotonyl-CoA carboxylase subunit 1; minus strand). Cytogenetic location: 3q27.1.
Variant type: single nucleotide variant.
Coding change: c.239G>A on transcript NM_020166.5 (MANE Select); coding-DNA position 239, G replaced by A.
Protein change: p.Ser80Asn; replaces serine 80 with asparagine.
Molecular consequence: missense variant. On other transcripts: non-coding transcript variant (1), intron variant (2).
Genome position (GRCh38, 1-based): chr3:183,092,443, C>T on the plus strand (G>A on the coding strand, the complement: MCCC1 is on the minus strand). VCF-style: chr3-183092443-C-T. GRCh37 (hg19) VCF-style: chr3-182810231-C-T.
Other names: c.239G>A (NM_020166.3); c.-55+2116G>A (NM_001363880.1); c.44+2116G>A (NM_001293273.2); short protein forms S80N.
Identifiers: ClinVar variation 522735 (VCV000522735.7), dbSNP rs774565207, ClinGen allele CA2719161.